The following is an entry in ClinVar:

NM_001283009.2(RTEL1):c.3680G>A (p.Gly1227Glu)

Genes: RTEL1 (regulator of telomere elongation helicase 1; plus strand), RTEL1-TNFRSF6B (RTEL1-TNFRSF6B readthrough (NMD candidate); plus strand). Cytogenetic location: 20q13.33.
Variant type: single nucleotide variant.
Coding change: c.3680G>A on transcript NM_001283009.2 (MANE Select); coding-DNA position 3680, G replaced by A.
Protein change: p.Gly1227Glu; replaces glycine 1227 with glutamic acid.
Molecular consequence: missense variant. On other transcripts: non-coding transcript variant (1), intron variant (3).
Genome position (GRCh38, 1-based): chr20:63,695,508, G>A. VCF-style: chr20-63695508-G-A. GRCh37 (hg19) VCF-style: chr20-62326861-G-A.
Other names: c.2983+28G>A (NM_001283010.1); c.3724+28G>A (NM_032957.5); c.3652+28G>A (NM_016434.4); short protein forms G1227E.
Identifiers: ClinVar variation 3749242 (VCV003749242.3).

ClinVar aggregate classification (germline): Uncertain significance. Review status: criteria provided, multiple submitters, no conflicts (2 of 4 stars). 2 submissions from 2 submitters: Uncertain significance (2). Last evaluated 2025-07-28.

Conditions:
Pulmonary fibrosis and/or bone marrow failure, Telomere-related, 3. Also called: PULMONARY FIBROSIS AND/OR BONE MARROW FAILURE SYNDROME, TELOMERE-RELATED, 3. Identifiers: Orphanet 2032, MedGen C4225346, MONDO:0014613, OMIM 616373.
Dyskeratosis congenita, autosomal recessive 5 (DKCB5). Identifiers: MedGen C3554656, MONDO:0014076, OMIM 615190.
Inborn genetic diseases. Identifiers: MedGen C0950123, MeSH D030342.

Submissions (2):

Ambry Genetics
Classification: Uncertain significance for Inborn genetic diseases. Last evaluated: 2025-07-28. Review status: criteria provided, single submitter. Criteria: Ambry Variant Classification Scheme 2023. Collection method: clinical testing. Allele origin: germline.
Comment: The p.G1227E variant (also known as c.3680G>A), located in coding exon 33 of the RTEL1 gene, results from a G to A substitution at nucleotide position 3680. The glycine at codon 1227 is replaced by glutamic acid, an amino acid with similar properties. This amino acid position is conserved. In addition, this alteration is predicted to be tolerated by in silico analysis. Based on the available evidence, the clinical significance of this variant remains unclear.

Labcorp Genetics (formerly Invitae), Labcorp
Classification: Uncertain significance for Dyskeratosis congenita, autosomal recessive 5; Pulmonary fibrosis and/or bone marrow failure, Telomere-related, 3. Last evaluated: 2024-05-27. Review status: criteria provided, single submitter. Criteria: Invitae Variant Classification Sherloc (09022015). Collection method: clinical testing. Allele origin: germline.
Comment: This sequence change replaces glycine, which is neutral and non-polar, with glutamic acid, which is acidic and polar, at codon 1227 of the RTEL1 protein (p.Gly1227Glu). This variant is not present in population databases (gnomAD no frequency). This variant has not been reported in the literature in individuals affected with RTEL1-related conditions. An algorithm developed to predict the effect of missense changes on protein structure and function (PolyPhen-2) suggests that this variant is likely to be tolerated. In summary, the available evidence is currently insufficient to determine the role of this variant in disease. Therefore, it has been classified as a Variant of Uncertain Significance.